The following continues an entry in ClinVar:

NM_000535.7(PMS2):c.2350G>A (p.Asp784Asn)

Gene: PMS2. ClinVar aggregate classification (germline): Conflicting classifications of pathogenicity. Uncertain significance (3); Benign (3); Likely benign (11).

Submissions 13 to 20 of 20:

Women's Health and Genetics/Laboratory Corporation of America, LabCorp
Classification: Likely benign. Last evaluated: 2020-09-28. Review status: criteria provided, single submitter. Criteria: LabCorp Variant Classification Summary - May 2015. Collection method: clinical testing. Allele origin: germline.
Comment: Variant summary: PMS2 c.2350G>A (p.Asp784Asn) results in a conservative amino acid change located in the C-terminal dimerization domain (IPR014790) of the encoded protein sequence. Three of five in-silico tools predict a damaging effect of the variant on protein function. The variant allele was found at a frequency of 0.0012 in 280910 control chromosomes, predominantly within the African- and South Asian subpopulation (at a frequency of 0.0065 and 0.005, respectively) in the gnomAD database, including 11 homozygotes. The observed variant frequency within African control individuals in the gnomAD database is approximately 90-fold of the estimated maximal expected allele frequency for a pathogenic variant in PMS2 causing Hereditary Nonpolyposis Colorectal Cancer phenotype (7.1e-05), strongly suggesting that the variant is a benign polymorphism. The variant, c.2350G>A, has been reported in the literature in an individual with suspected Lynch Syndrome (e.g. Yurgelun_2015, Li_2020), and other individuals with breast- and/or ovarian cancer (e.g. Tung_2014, Chan_2018, da Costa 2020). These report(s) do not provide unequivocal conclusions about association of the variant with Hereditary Nonpolyposis Colorectal Cancer. Co-occurrences with another pathogenic PSM2 variant has been reported (PMS2 c.2186_2187delTC, p.Leu729fsX6; in our internal database), providing supporting evidence for a benign role. To our knowledge, no experimental evidence demonstrating an impact on protein function has been reported. Eight other clinical diagnostic laboratories have submitted clinical-significance assessments for this variant to ClinVar after 2014 without evidence for independent evaluation. Multiple laboratories reported the variant with conflicting assessments (VUS 5x, likely benign 3x). Based on the evidence outlined above, the variant was classified as likely benign.

Ambry Genetics
Classification: Likely benign for Hereditary cancer-predisposing syndrome. Last evaluated: 2019-03-29. Review status: criteria provided, single submitter. Criteria: Ambry Variant Classification Scheme 2023. Collection method: clinical testing. Allele origin: germline.

GeneDx
Classification: Likely benign. Last evaluated: 2018-01-17. Review status: criteria provided, single submitter. Criteria: GeneDx Variant Classification (06012015). Collection method: clinical testing. Allele origin: germline. Affected: yes.
Comment: This variant is considered likely benign or benign based on one or more of the following criteria: it is a conservative change, it occurs at a poorly conserved position in the protein, it is predicted to be benign by multiple in silico algorithms, and/or has population frequency not consistent with disease.

Illumina Laboratory Services, Illumina
Classification: Likely benign for Lynch syndrome 4. Last evaluated: 2018-01-12. Review status: criteria provided, single submitter. Criteria: ICSL Variant Classification Criteria 13 December 2019. Collection method: clinical testing. Allele origin: germline.
Comment: This variant was observed in the ICSL laboratory as part of a predisposition screen in an ostensibly healthy population. It had not been previously curated by ICSL or reported in the Human Gene Mutation Database (HGMD: prior to June 1st, 2018), and was therefore a candidate for classification through an automated scoring system. Utilizing variant allele frequency, disease prevalence and penetrance estimates, and inheritance mode, an automated score was calculated to assess if this variant is too frequent to cause the disease. Based on the score and internal cut-off values, a variant classified as likely benign is not then subjected to further curation. The score for this variant resulted in a classification of likely benign for this disease.

Fulgent Genetics
Classification: Uncertain significance for Mismatch repair cancer syndrome 1; Lynch syndrome 4. Last evaluated: 2017-05-23. Review status: criteria provided, single submitter. Criteria: ACMG Guidelines, 2015. Collection method: clinical testing. Allele origin: unknown.

PreventionGenetics, part of Exact Sciences
Classification: Likely benign for PMS2-related condition. Last evaluated: 2024-06-13. Review status: no assertion criteria provided. Collection method: clinical testing. Allele origin: germline. Not counted in ClinVar's aggregate classification.
Comment: This variant is classified as likely benign based on ACMG/AMP sequence variant interpretation guidelines (Richards et al. 2015 PMID: 25741868, with internal and published modifications).

Counsyl
Classification: Uncertain significance for Lynch syndrome 4. Last evaluated: 2016-06-01. Review status: no assertion criteria provided. Collection method: clinical testing. Allele origin: unknown. Not counted in ClinVar's aggregate classification.

Department of Pathology and Laboratory Medicine, Sinai Health System
Classification: Uncertain significance for Malignant tumor of breast. Review status: no assertion criteria provided. Collection method: clinical testing. Allele origin: unknown. Affected: yes. Study: The Canadian Open Genetics Repository (COGR). Not counted in ClinVar's aggregate classification.
Comment: The PMS2 p.Asp784Asn variant was identified in 1 of 2520 proband chromosomes (frequency: 0.0004) from individuals or families with Lynch syndrome (Yurgelun 2015). The variant was also identified in dbSNP (ID: rs143340522) as â€šÃ„ÃºWith Uncertain significance alleleâ€šÃ„Ã¹, and in the ClinVar and Clinvitae databases (4x classified as uncertain significance by GeneDx, Ambry Genetics, Invitae, and Counsyl). The variant was not identified in the following databases: COSMIC, MutDB, Insight Colon Cancer, Zhejiang Colon Cancer, Mismatch Repair or Insight Hereditary Tumors. The variant was identified in control databases in 278 of 244936 chromosomes at a frequency of 0.001 in the following populations: African in 106 of 15244 chromosomes (freq. 0.007, 4 homozygous); South Asian in 150 of 30678 chromosomes (freq. 0.005, 4 homozygous); population listed as â€šÃ„Ãºotherâ€šÃ„Ã¹ in 3 of 5468 chromosomes (freq. 0.0005, 1 homozygous); Latino in 9 of 33564 chromosomes (freq. 0.0003); East Asian in 2 of 17174 chromosomes (freq. 0.0001) and European non-Finnish in 8 of 110786 chromosomes (freq. 0.00007) increasing the likelihood this could be a low frequency benign variant (Genome Aggregation Consortium Feb 27, 2017), however population data in this region of PMS2 are not considered reliable due to high pseudogene homology. The p.Asp784Asn residue is conserved in mammals and computational analyses (PolyPhen-2, SIFT, AlignGVGD, BLOSUM, MutationTaster) provide inconsistent predictions regarding the impact to the protein; this information is not very predictive of pathogenicity. The variant occurs outside of the splicing consensus sequence and 1 of 5 in silico or computational prediction software programs (SpliceSiteFinder, MaxEntScan, NNSPLICE, GeneSplicer, HumanSpliceFinder) predict a greater than 10% difference in splicing; this is not very predictive of pathogenicity. The variant is located with the MutL, C-terminal, dimerisation functional domain. In summary, based on the above information the clinical significance of this variant cannot be determined with certainty at this time. This variant is classified as a variant of uncertain significance.

Literature cited by the submitters: PubMed 32959997 (cited by Quest Diagnostics Nichols Institute San Juan Capistrano and Color Diagnostics, LLC DBA Color Health); PubMed 33471991 (cited by Quest Diagnostics Nichols Institute San Juan Capistrano); PubMed 25186627 (cited by 5 submitters); PubMed 30093976 (cited by Quest Diagnostics Nichols Institute San Juan Capistrano and Women's Health and Genetics/Laboratory Corporation of America, LabCorp); PubMed 32039725 (cited by 3 submitters); PubMed 31391288 (cited by Quest Diagnostics Nichols Institute San Juan Capistrano and Women's Health and Genetics/Laboratory Corporation of America, LabCorp); PubMed 31422574 (cited by Quest Diagnostics Nichols Institute San Juan Capistrano and Women's Health and Genetics/Laboratory Corporation of America, LabCorp); PubMed 25980754 (cited by 5 submitters).